The following is an entry in ClinVar:

NM_000465.4(BARD1):c.1790_1794dup (p.Glu599fs)

Gene: BARD1 (BRCA1 associated RING domain 1; minus strand). Cytogenetic location: 2q35.
Variant type: Duplication.
Coding change: c.1790_1794dup on transcript NM_000465.4 (MANE Select); coding-DNA positions 1790 to 1794, 5 bases duplicated (ATACT; older notation c.1790_1794dupATACT).
Protein change: p.Glu599fs; shifts the reading frame from glutamic acid 599.
Molecular consequence: frameshift variant. On other transcripts: non-coding transcript variant (3), intron variant (1).
Genome position (GRCh38, 1-based): chr2:214,745,738-214,745,742, AGTAT duplicated on the plus strand (ATACT on the coding strand, the reverse complement: BARD1 is on the minus strand); duplicating any 5 consecutive bases within chr2:214,745,738-214,745,743 gives the same sequence; the c. name uses the placement nearest the transcript's 3' end. VCF-style (leftmost placement, unchanged base first): chr2-214745737-C-CAGTAT. GRCh37 (hg19) VCF-style: chr2-215610461-C-CAGTAT.
Other names: c.1733_1737dup, p.Glu580fs (NM_001282543.2); c.437_441dup, p.Glu148fs (NM_001282545.2); c.380_384dup, p.Glu129fs (NM_001282548.2); c.365-15234_365-15230dup (NM_001282549.2); short protein forms E129fs, E148fs, E580fs, E599fs.
Identifiers: ClinVar variation 2584177 (VCV002584177.2), dbSNP rs2469342079, ClinGen allele CA2582342065.

ClinVar aggregate classification (germline): Pathogenic (1 of 4 stars; one submission).

Conditions:
Familial cancer of breast. Also called: BREAST CANCER, FAMILIAL; hereditary breast carcinoma; Hereditary breast cancer. Identifiers: Orphanet 227535, MedGen C0346153, MONDO:0016419, OMIM 114480. Disease mechanism: loss of function.

Submission:

Myriad Genetics, Inc.
Classification: Pathogenic for Familial cancer of breast. Last evaluated: 2023-05-24. Review status: criteria provided, single submitter. Criteria: Myriad Autosomal Dominant, Autosomal Recessive and X-Linked Classification Criteria (2023). Collection method: clinical testing. Allele origin: unknown.
Comment: This variant is considered pathogenic. This variant creates a frameshift predicted to result in premature protein truncation.